The following is an entry in ClinVar:

NC_000017.10:g.(?_78021971)_(78024070_?)del

Gene: CCDC40 (coiled-coil domain 40 molecular ruler complex subunit; plus strand). Cytogenetic location: 17q25.3.
Variant type: Deletion.
Identifiers: ClinVar variation 1521952 (VCV001521952.13).

ClinVar aggregate classification (germline): Likely pathogenic (1 of 4 stars; one submission).

Conditions:
Primary ciliary dyskinesia. Also called: Ciliary dyskinesia. Identifiers: Orphanet 244, MedGen C0008780, MONDO:0016575, HP:0012265.

Submission:

Labcorp Genetics (formerly Invitae), Labcorp
Classification: Likely pathogenic for Primary ciliary dyskinesia. Last evaluated: 2022-02-09. Review status: criteria provided, single submitter. Criteria: Invitae Variant Classification Sherloc (09022015). Collection method: clinical testing. Allele origin: germline.
Comment: In summary, the currently available evidence indicates that the variant is pathogenic, but additional data are needed to prove that conclusively. Therefore, this variant has been classified as Likely Pathogenic. This variant has not been reported in the literature in individuals affected with CCDC40-related conditions. This variant results in the deletion of exons 5-6 and part of exon 7 (c.677-410_1148del) of the CCDC40 gene. It is expected to disrupt RNA splicing. Variants that disrupt the donor or acceptor splice site typically lead to a loss of protein function (PMID: 16199547), and loss-of-function variants in CCDC40 are known to be pathogenic (PMID: 21131974, 22693285, 23255504).

Literature cited by the submitters: PubMed 16199547; PubMed 21131974; PubMed 22693285; PubMed 23255504.